The following is an entry in ClinVar:

ClinVar aggregate classification (germline): Uncertain significance (1 of 4 stars; one submission).

Submission:

GeneDx
Classification: Uncertain significance. Last evaluated: 2025-02-21. Review status: criteria provided, single submitter. Criteria: GeneDx Variant Classification Process June 2021. Collection method: clinical testing. Allele origin: germline. Affected: yes.
Comment: Not observed at significant frequency in large population cohorts (gnomAD); In silico analysis supports that this missense variant has a deleterious effect on protein structure/function; Has not been previously published as pathogenic or benign to our knowledge

NM_031407.7(HUWE1):c.9616C>T (p.His3206Tyr)

Gene: HUWE1 (HECT, UBA and WWE domain containing E3 ubiquitin protein ligase 1; minus strand). Cytogenetic location: Xp11.22.
Variant type: single nucleotide variant.
Coding change: c.9616C>T on transcript NM_031407.7 (MANE Select); coding-DNA position 9616, C replaced by T.
Protein change: p.His3206Tyr; replaces histidine 3206 with tyrosine.
Molecular consequence: missense variant.
Genome position (GRCh38, 1-based): chrX:53,549,378, G>A on the plus strand (C>T on the coding strand, the complement: HUWE1 is on the minus strand). VCF-style: chrX-53549378-G-A. GRCh37 (hg19) VCF-style: chrX-53576339-G-A.
Other names: c.9613C>T, p.His3205Tyr (NM_001441048.1, NM_001441051.1, NM_001441053.1 and 2 more transcripts); c.9616C>T, p.His3206Tyr (NM_001441049.1, NM_001441054.1, NM_001441057.1); c.9637C>T, p.His3213Tyr (NM_001441050.1, NM_001441055.1); c.9214C>T, p.His3072Tyr (NM_001441052.1); short protein forms H3072Y, H3205Y, H3206Y, H3213Y.
Identifiers: ClinVar variation 4076772 (VCV004076772.1).